The following is an entry in ClinVar:

NM_181336.4(LEMD2):c.1032T>A (p.Ser344=)

Gene: LEMD2 (LEM domain nuclear envelope protein 2; minus strand). Cytogenetic location: 6p21.31.
Variant type: single nucleotide variant.
Coding change: c.1032T>A on transcript NM_181336.4 (MANE Select); coding-DNA position 1032, T replaced by A.
Protein change: p.Ser344=; no amino-acid change (serine 344 retained).
Molecular consequence: synonymous variant.
Genome position (GRCh38, 1-based): chr6:33,778,366, A>T on the plus strand (T>A on the coding strand, the complement: LEMD2 is on the minus strand). VCF-style: chr6-33778366-A-T. GRCh37 (hg19) VCF-style: chr6-33746143-A-T.
Other names: c.126T>A, p.Ser42= (NM_001143944.1, NM_001348709.2); c.633T>A, p.Ser211= (NM_001348710.2).
Identifiers: ClinVar variation 3045864 (VCV003045864.2), dbSNP rs903917824, ClinGen allele CA137113474.

ClinVar aggregate classification (germline): Likely benign (0 of 4 stars; one submission).

Conditions:
LEMD2-related disorder. Also called: LEMD2-related condition.

Allele frequency attached by ClinVar (database versions not stated): gnomAD 0.00003; TOPMed 0.00003.
gnomAD v4.1: 5 of 1,576,862 alleles (0.00032%); highest among the groups gnomAD compares: African/African-American, 0.0068%; no homozygotes.

Submission:

PreventionGenetics, part of Exact Sciences
Classification: Likely benign for LEMD2-related condition. Last evaluated: 2019-10-28. Review status: no assertion criteria provided. Collection method: clinical testing. Allele origin: germline.
Comment: This variant is classified as likely benign based on ACMG/AMP sequence variant interpretation guidelines (Richards et al. 2015 PMID: 25741868, with internal and published modifications).